The following is an entry in ClinVar:

NM_000051.4(ATM):c.1251C>T (p.Thr417=)

Gene: ATM (ATM serine/threonine kinase; plus strand). Cytogenetic location: 11q22.3.
Variant type: single nucleotide variant.
Coding change: c.1251C>T on transcript NM_000051.4 (MANE Select); coding-DNA position 1251, C replaced by T.
Protein change: p.Thr417=; no amino-acid change (threonine 417 retained).
Molecular consequence: synonymous variant.
Genome position (GRCh38, 1-based): chr11:108,250,716, C>T. VCF-style: chr11-108250716-C-T. GRCh37 (hg19) VCF-style: chr11-108121443-C-T.
Other names: c.1251C>T, p.Thr417= (NM_001351834.2).
Identifiers: ClinVar variation 490417 (VCV000490417.21), dbSNP rs1555070643, ClinGen allele CA476671876.

ClinVar aggregate classification (germline): Benign/Likely benign. Review status: criteria provided, multiple submitters, no conflicts (2 of 4 stars). 6 submissions from 6 submitters: Benign (1); Likely benign (4). 1 of the submissions does not count toward it. Last evaluated 2025-06-15.

Conditions:
Ataxia-telangiectasia syndrome (AT). Also called: Cerebello-oculocutaneous telangiectasia; Immunodeficiency with ataxia telangiectasia; Ataxia-telangiectasia; Ataxia-telangiectasia, complementation group D; AT, COMPLEMENTATION GROUP C; ATAXIA-TELANGIECTASIA, COMPLEMENTATION GROUP A. Identifiers: Orphanet 100, MedGen C0004135, MONDO:0008840, OMIM 208900.
Familial cancer of breast. Also called: hereditary breast carcinoma; Hereditary breast cancer; BREAST CANCER, FAMILIAL. Identifiers: Orphanet 227535, MedGen C0346153, MONDO:0016419, OMIM 114480. Disease mechanism: loss of function.
ATM-related disorder. Also called: ATM-related disorders; ATM-related condition.
Hereditary cancer-predisposing syndrome. Also called: Tumor predisposition; Hereditary Cancer Syndrome; Neoplastic Syndromes, Hereditary; Hereditary neoplastic syndrome. Identifiers: Orphanet 140162, MedGen C0027672, MeSH D009386, MONDO:0015356.

Allele frequency attached by ClinVar (database versions not stated): gnomAD exomes 0.00001.

Submissions (6):

Labcorp Genetics (formerly Invitae), Labcorp
Classification: Likely benign for Ataxia-telangiectasia syndrome. Last evaluated: 2025-06-15. Review status: criteria provided, single submitter. Criteria: Invitae Variant Classification Sherloc (09022015). Collection method: clinical testing. Allele origin: germline.

Blueprint Genetics
Classification: Likely benign. Last evaluated: 2024-11-18. Review status: criteria provided, single submitter. Criteria: ACMG Guidelines, 2015. Collection method: clinical testing. Allele origin: germline.

Myriad Genetics, Inc.
Classification: Benign for Familial cancer of breast. Last evaluated: 2024-04-26. Review status: criteria provided, single submitter. Criteria: Myriad Autosomal Dominant, Autosomal Recessive and X-Linked Classification Criteria (2023). Collection method: clinical testing. Allele origin: unknown.
Comment: This variant is considered benign. This variant is a silent/synonymous amino acid change and it is not expected to impact splicing.

Ambry Genetics
Classification: Likely benign for Hereditary cancer-predisposing syndrome. Last evaluated: 2019-02-16. Review status: criteria provided, single submitter. Criteria: Ambry Variant Classification Scheme 2023. Collection method: clinical testing. Allele origin: germline.

Color Diagnostics, LLC DBA Color Health
Classification: Likely benign for Hereditary cancer-predisposing syndrome. Last evaluated: 2016-12-02. Review status: criteria provided, single submitter. Criteria: ACMG Guidelines, 2015. Collection method: clinical testing. Allele origin: germline.

PreventionGenetics, part of Exact Sciences
Classification: Likely benign for ATM-related condition. Last evaluated: 2019-12-19. Review status: no assertion criteria provided. Collection method: clinical testing. Allele origin: germline. Not counted in ClinVar's aggregate classification.
Comment: This variant is classified as likely benign based on ACMG/AMP sequence variant interpretation guidelines (Richards et al. 2015 PMID: 25741868, with internal and published modifications).